The following is an entry in ClinVar:

ClinVar aggregate classification (germline): Conflicting classifications of pathogenicity. Review status: criteria provided, conflicting classifications (1 of 4 stars). 5 submissions from 5 submitters: Uncertain significance (1); Benign (2); Likely benign (1). 1 of the submissions does not count toward it. Last evaluated 2026-04-16.

Conditions:
DICER1-related disorder. Also called: DICER1-related condition.
Hereditary cancer-predisposing syndrome. Also called: Hereditary neoplastic syndrome; Neoplastic Syndromes, Hereditary; Hereditary Cancer Syndrome; Tumor predisposition. Identifiers: Orphanet 140162, MedGen C0027672, MeSH D009386, MONDO:0015356.
DICER1-related tumor predisposition. Also called: DICER1-related pleuropulmonary blastoma cancer predisposition syndrome; DICER1 syndrome. Identifiers: Orphanet 284343, MedGen C3839822, MONDO:0100216.

Allele frequency attached by ClinVar (database versions not stated): TOPMed 0.00008; ESP Exome Variant Server 0.00015; 1000 Genomes Project 30x 0.00016; 1000 Genomes Project 0.00020; gnomAD exomes below 0.00001 and 0.00002; gnomAD 0.00006 and 0.00007; ExAC 0.00002.
gnomAD v4.1: 16 of 1,614,106 alleles (0.00099%); highest among the groups gnomAD compares: African/African-American, 0.02%; no homozygotes.

Submissions (5):

Myriad Genetics, Inc.
Classification: Benign for DICER1-related tumor predisposition. Last evaluated: 2026-04-16. Review status: criteria provided, single submitter. Criteria: Myriad Autosomal Dominant, Autosomal Recessive and X-Linked Classification Criteria (2023). Collection method: clinical testing. Allele origin: unknown.
Comment: This variant is considered benign. This variant is a silent/synonymous amino acid change and it is not expected to impact splicing.

Labcorp Genetics (formerly Invitae), Labcorp
Classification: Benign for DICER1-related tumor predisposition. Last evaluated: 2025-11-22. Review status: criteria provided, single submitter. Criteria: Invitae Variant Classification Sherloc (09022015). Collection method: clinical testing. Allele origin: germline.

Sema4
Classification: Uncertain significance for Hereditary cancer-predisposing syndrome. Last evaluated: 2022-01-04. Review status: criteria provided, single submitter. Criteria: Sema4 Curation Guidelines. Collection method: curation. Allele origin: germline.
Comment: The DICER1 c.2898A>G (p.E966=) variant has not been reported in the literature to our knowledge. It was observed in 9/24968 chromosomes of the African/African American subpopulation in the large and broad cohorts of the Genome Aggregation Database (PMID: 32461654). The variant has been reported in ClinVar (Variation ID 242074). In silico tools suggest that the variant may create or strengthen a cryptic splice site, though these predictions have not been confirmed by functional studies. The evidence is insufficient to meet ACMG/AMP criteria for classifying the variant as benign or pathogenic. Thus, the clinical significance of this variant is currently uncertain.

Ambry Genetics
Classification: Likely benign for Hereditary cancer-predisposing syndrome. Last evaluated: 2017-06-14. Review status: criteria provided, single submitter. Criteria: Ambry Variant Classification Scheme 2023. Collection method: clinical testing. Allele origin: germline.

PreventionGenetics, part of Exact Sciences
Classification: Likely benign for DICER1-related condition. Last evaluated: 2024-03-25. Review status: no assertion criteria provided. Collection method: clinical testing. Allele origin: germline. Not counted in ClinVar's aggregate classification.
Comment: This variant is classified as likely benign based on ACMG/AMP sequence variant interpretation guidelines (Richards et al. 2015 PMID: 25741868, with internal and published modifications).

NM_177438.3(DICER1):c.2898A>G (p.Glu966=)

Gene: DICER1 (dicer 1, ribonuclease III; minus strand). Cytogenetic location: 14q32.13.
Variant type: single nucleotide variant.
Coding change: c.2898A>G on transcript NM_177438.3 (MANE Select); coding-DNA position 2898, A replaced by G.
Protein change: p.Glu966=; no amino-acid change (glutamic acid 966 retained).
Molecular consequence: synonymous variant.
Genome position (GRCh38, 1-based): chr14:95,106,130, T>C on the plus strand (A>G on the coding strand, the complement: DICER1 is on the minus strand). VCF-style: chr14-95106130-T-C. GRCh37 (hg19) VCF-style: chr14-95572467-T-C.
Other names: c.2898A>G, p.Glu966= (NM_001195573.1, NM_001271282.3, NM_001291628.2 and 1 more transcripts).
Identifiers: ClinVar variation 242074 (VCV000242074.19), dbSNP rs375772460, ClinGen allele CA7331153.